The following is an entry in ClinVar:

NM_201384.3(PLEC):c.7425+5C>T

Gene: PLEC (plectin; minus strand). Cytogenetic location: 8q24.3.
Variant type: single nucleotide variant.
Coding change: c.7425+5C>T on transcript NM_201384.3 (MANE Select); 5 bases into the intron after coding-DNA position 7425, C replaced by T.
Molecular consequence: intron variant.
Genome position (GRCh38, 1-based): chr8:143,922,499, G>A on the plus strand (C>T on the coding strand, the complement: PLEC is on the minus strand). VCF-style: chr8-143922499-G-A. GRCh37 (hg19) VCF-style: chr8-144996667-G-A.
Other names: c.7506+5C>T (NM_000445.5); c.7383+5C>T (NM_201378.4); c.7359+5C>T (NM_201379.3); c.7836+5C>T (NM_201380.4); c.7329+5C>T (NM_201381.3); c.7425+5C>T (NM_201382.4); c.7437+5C>T (NM_201383.3).
Identifiers: ClinVar variation 959709 (VCV000959709.7), dbSNP rs782656919, ClinGen allele CA4925658.

ClinVar aggregate classification (germline): Uncertain significance (1 of 4 stars; one submission).

Conditions:
Epidermolysis bullosa simplex 5B, with muscular dystrophy (EBS5B). Also called: Epidermolysis bullosa simplex with muscular dystrophy; EPIDERMOLYSIS BULLOSA SIMPLEX AND LIMB-GIRDLE MUSCULAR DYSTROPHY. Identifiers: Orphanet 257, MedGen C2931072, MONDO:0009181, OMIM 226670.
Epidermolysis bullosa simplex, Ogna type (EBS5A). Also called: Pidermolysis bullosa simplex 5A, Ogna type; EPIDERMOLYSIS BULLOSA SIMPLEX 5A, OGNA TYPE. Identifiers: Orphanet 79401, MedGen C0432317, MONDO:0007555, OMIM 131950.
Autosomal recessive limb-girdle muscular dystrophy type 2Q (LGMDR17). Also called: MUSCULAR DYSTROPHY, LIMB-GIRDLE, AUTOSOMAL RECESSIVE 17. Identifiers: Orphanet 254361, MedGen C3150989, MONDO:0013390, OMIM 613723.
Epidermolysis bullosa simplex with nail dystrophy (EBS5D). Identifiers: MedGen C4225309, MONDO:0014661, OMIM 616487.
Epidermolysis bullosa simplex 5C, with pyloric atresia (EBS5C). Also called: Epidermolysis bullosa simplex with pyloric atresia; PLEC-Related Epidermolysis Bullosa with Pyloric Atresia; PLEC1-Related Epidermolysis Bullosa with Pyloric Atresia. Identifiers: Orphanet 158684, MedGen C2677349, MONDO:0012807, OMIM 612138.

Allele frequency attached by ClinVar (database versions not stated): gnomAD 0.00001; TOPMed 0.00001; ExAC 0.00003; gnomAD exomes 0.00003.

Submission:

Labcorp Genetics (formerly Invitae), Labcorp
Classification: Uncertain significance for Autosomal recessive limb-girdle muscular dystrophy type 2Q; Epidermolysis bullosa simplex, Ogna type; Epidermolysis bullosa simplex with nail dystrophy; Epidermolysis bullosa simplex 5C, with pyloric atresia; Epidermolysis bullosa simplex 5B, with muscular dystrophy. Last evaluated: 2025-10-23. Review status: criteria provided, single submitter. Criteria: Invitae Variant Classification Sherloc (09022015). Collection method: clinical testing. Allele origin: germline.
Comment: This sequence change falls in intron 32 of the PLEC gene. It does not directly change the encoded amino acid sequence of the PLEC protein. It affects a nucleotide within the consensus splice site. This variant is present in population databases (rs782656919, gnomAD 0.01%). This variant has not been reported in the literature in individuals affected with PLEC-related conditions. ClinVar contains an entry for this variant (Variation ID: 959709). Variants that disrupt the consensus splice site are a relatively common cause of aberrant splicing (PMID: 17576681, 9536098). Algorithms developed to predict the effect of sequence changes on RNA splicing suggest that this variant is not likely to affect RNA splicing. In summary, the available evidence is currently insufficient to determine the role of this variant in disease. Therefore, it has been classified as a Variant of Uncertain Significance.

Literature cited by the submitters: PubMed 17576681; PubMed 9536098.